The following is an entry in ClinVar:

ClinVar aggregate classification (germline): Uncertain significance (1 of 4 stars; one submission).

Conditions:
Inborn genetic diseases. Identifiers: MedGen C0950123, MeSH D030342.

gnomAD v4.1: 1 of 1,605,870 alleles (0.000062%); highest among the groups gnomAD compares: Non-Finnish European, 0.000085%; no homozygotes.

Submission:

Ambry Genetics
Classification: Uncertain significance for Inborn genetic diseases. Last evaluated: 2024-11-28. Review status: criteria provided, single submitter. Criteria: Ambry Variant Classification Scheme 2023. Collection method: clinical testing. Allele origin: germline.
Comment: The p.A758T variant (also known as c.2272G>A), located in coding exon 25 of the RTEL1 gene, results from a G to A substitution at nucleotide position 2272. The alanine at codon 758 is replaced by threonine, an amino acid with similar properties. This amino acid position is conserved. In addition, this alteration is predicted to be tolerated by in silico analysis. Based on the available evidence, the clinical significance of this variant remains unclear.

NM_001283009.2(RTEL1):c.2272G>A (p.Ala758Thr)

Genes: RTEL1 (regulator of telomere elongation helicase 1; plus strand), RTEL1-TNFRSF6B (RTEL1-TNFRSF6B readthrough (NMD candidate); plus strand). Cytogenetic location: 20q13.33.
Variant type: single nucleotide variant.
Coding change: c.2272G>A on transcript NM_001283009.2 (MANE Select); coding-DNA position 2272, G replaced by A.
Protein change: p.Ala758Thr; replaces alanine 758 with threonine.
Molecular consequence: missense variant. On other transcripts: non-coding transcript variant (1).
Genome position (GRCh38, 1-based): chr20:63,690,300, G>A. VCF-style: chr20-63690300-G-A. GRCh37 (hg19) VCF-style: chr20-62321653-G-A.
Other names: c.1603G>A, p.Ala535Thr (NM_001283010.1); c.2272G>A, p.Ala758Thr (NM_016434.4); c.2344G>A, p.Ala782Thr (NM_032957.5); short protein forms A535T, A782T, A758T.
Identifiers: ClinVar variation 3436002 (VCV003436002.1).